The following is an entry in ClinVar:

NM_001256071.3(RNF213):c.2502-11_2502-10del

Gene: RNF213 (ring finger protein 213; plus strand). Cytogenetic location: 17q25.3.
Variant type: Deletion.
Coding change: c.2502-11_2502-10del on transcript NM_001256071.3 (MANE Select); 11 bases into the intron before coding-DNA position 2502 through 10 bases into the intron before coding-DNA position 2502, 2 bases deleted (TT; older notation c.2502-11_2502-10delTT).
Molecular consequence: intron variant.
Genome position (GRCh38, 1-based): chr17:80,309,007-80,309,008, TT deleted; deleting any 2 consecutive bases within chr17:80,309,006-80,309,008 gives the same sequence; the c. name uses the placement nearest the transcript's 3' end. VCF-style (leftmost placement, unchanged base first): chr17-80309005-CTT-C. GRCh37 (hg19) VCF-style: chr17-78282805-CTT-C.
Other names: c.2502-11_2502-10del (NM_020954.4).
Identifiers: ClinVar variation 930412 (VCV000930412.3), dbSNP rs751005876, ClinGen allele CA8819896.

ClinVar aggregate classification (germline): Uncertain significance (1 of 4 stars; one submission).

Submission:

Centre for Mendelian Genomics, University Medical Centre Ljubljana
Classification: Uncertain significance. Last evaluated: 2019-02-11. Review status: criteria provided, single submitter. Criteria: ACMG Guidelines, 2015. Collection method: clinical testing. Allele origin: unknown. Affected: yes.
Comment: This variant was classified as: Uncertain significance. The available evidence on this variant's pathogenicity is insufficient or conflicting. The following ACMG criteria were applied in classifying this variant: PP4.